The following is an entry in ClinVar:

NM_016030.6(TRAPPC12):c.361G>A (p.Glu121Lys)

Gene: TRAPPC12 (trafficking protein particle complex subunit 12; plus strand). Cytogenetic location: 2p25.3.
Variant type: single nucleotide variant.
Coding change: c.361G>A on transcript NM_016030.6 (MANE Select); coding-DNA position 361, G replaced by A.
Protein change: p.Glu121Lys; replaces glutamic acid 121 with lysine.
Molecular consequence: missense variant.
Genome position (GRCh38, 1-based): chr2:3,387,984, G>A. VCF-style: chr2-3387984-G-A. GRCh37 (hg19) VCF-style: chr2-3391755-G-A.
Other names: c.361G>A, p.Glu121Lys (NM_001321102.2); short protein forms E121K.
Identifiers: ClinVar variation 1805705 (VCV001805705.8), dbSNP rs371884821, ClinGen allele CA1515073.

ClinVar aggregate classification (germline): Conflicting classifications of pathogenicity. Review status: criteria provided, conflicting classifications (1 of 4 stars). 5 submissions from 5 submitters: Uncertain significance (1); Benign (1); Likely benign (2). 1 of the submissions does not count toward it. Last evaluated 2026-08-01.

Conditions:
TRAPPC12-related disorder. Also called: TRAPPC12-related condition.
Early-onset progressive encephalopathy-hearing loss-pons hypoplasia-brain atrophy syndrome. Also called: ENCEPHALOPATHY, PROGRESSIVE, EARLY-ONSET, WITH BRAIN ATROPHY AND SPASTICITY. Identifiers: Orphanet 500144, MedGen C5567229, MONDO:0044696, OMIM 617669.
Inborn genetic diseases. Identifiers: MedGen C0950123, MeSH D030342.

Allele frequency attached by ClinVar (database versions not stated): ExAC 0.00069; ESP Exome Variant Server 0.00168; 1000 Genomes Project 0.00260; 1000 Genomes Project 30x 0.00265.
gnomAD v4.1: 873 of 1,473,920 alleles (0.059%); highest among the groups gnomAD compares: African/African-American, 1.2%; 5 homozygotes.

Submissions (5):

CeGaT Center for Human Genetics Tuebingen
Classification: Likely benign. Last evaluated: 2026-08-01. Review status: criteria provided, single submitter. Criteria: CeGaT Center For Human Genetics Tuebingen Variant Classification Criteria Version 2. Collection method: clinical testing. Allele origin: germline. Affected: yes. Observed: 2 variant alleles.
Comment: TRAPPC12: BS1

Labcorp Genetics (formerly Invitae), Labcorp
Classification: Benign. Last evaluated: 2025-12-17. Review status: criteria provided, single submitter. Criteria: Invitae Variant Classification Sherloc (09022015). Collection method: clinical testing. Allele origin: germline.

Ambry Genetics
Classification: Likely benign for Inborn genetic diseases. Last evaluated: 2024-01-09. Review status: criteria provided, single submitter. Criteria: Ambry Variant Classification Scheme 2023. Collection method: clinical testing. Allele origin: germline.

Victorian Clinical Genetics Services, Murdoch Childrens Research Institute
Classification: Uncertain significance for Early-onset progressive encephalopathy-hearing loss-pons hypoplasia-brain atrophy syndrome. Last evaluated: 2019-08-28. Review status: criteria provided, single submitter. Criteria: ACMG Guidelines, 2015. Collection method: clinical testing. Allele origin: germline. Inheritance: Autosomal recessive inheritance.
Comment: A heterozygous missense variant was identified, NM_016030.5(TRAPPC12):c.361G>A in exon 2 of 12 of the TRAPPC12 gene. This substitution is predicted to create a minor amino acid change from glutamic acid to lysine at position 121 of the protein, NP_057114.5(TRAPPC12):p.(Glu121Lys). The glutamic acid at this position is only present, but also conserved, in mammals (100 vertebrates, UCSC), but is not situated in a known functional domain. In silico software predicts this variant to be benign (Polyphen, SIFT, CADD, Mutation Taster). The variant is present in the gnomAD population database at a frequency of 0.13% (132 heterozygotes, 1 homozygote). The variant has not been previously reported in a clinical testing setting. Based on information available at the time of curation, this variant has been classified as a VARIANT of UNCERTAIN SIGNIFICANCE (VUS) with LOW CLINICAL RELEVANCE.

PreventionGenetics, part of Exact Sciences
Classification: Benign for TRAPPC12-related condition. Last evaluated: 2019-09-11. Review status: no assertion criteria provided. Collection method: clinical testing. Allele origin: germline. Not counted in ClinVar's aggregate classification.
Comment: This variant is classified as benign based on ACMG/AMP sequence variant interpretation guidelines (Richards et al. 2015 PMID: 25741868, with internal and published modifications).